The following is an entry in ClinVar:

ClinVar aggregate classification (germline): Uncertain significance (1 of 4 stars; one submission).

Allele frequency attached by ClinVar (database versions not stated): ExAC 0.00001; gnomAD 0.00001.

Submission:

Labcorp Genetics (formerly Invitae), Labcorp
Classification: Uncertain significance. Last evaluated: 2023-10-18. Review status: criteria provided, single submitter. Criteria: Invitae Variant Classification Sherloc (09022015). Collection method: clinical testing. Allele origin: germline.
Comment: This sequence change replaces alanine, which is neutral and non-polar, with serine, which is neutral and polar, at codon 307 of the LBR protein (p.Ala307Ser). This variant is present in population databases (rs762215626, gnomAD 0.0009%). This variant has not been reported in the literature in individuals affected with LBR-related conditions. Advanced modeling of protein sequence and biophysical properties (such as structural, functional, and spatial information, amino acid conservation, physicochemical variation, residue mobility, and thermodynamic stability) performed at Invitae indicates that this missense variant is not expected to disrupt LBR protein function. In summary, the available evidence is currently insufficient to determine the role of this variant in disease. Therefore, it has been classified as a Variant of Uncertain Significance.

NM_002296.4(LBR):c.919G>T (p.Ala307Ser)

Gene: LBR (lamin B receptor; minus strand). Cytogenetic location: 1q42.12.
Variant type: single nucleotide variant.
Coding change: c.919G>T on transcript NM_002296.4 (MANE Select); coding-DNA position 919, G replaced by T.
Protein change: p.Ala307Ser; replaces alanine 307 with serine.
Molecular consequence: missense variant.
Genome position (GRCh38, 1-based): chr1:225,412,619, C>A on the plus strand (G>T on the coding strand, the complement: LBR is on the minus strand). VCF-style: chr1-225412619-C-A. GRCh37 (hg19) VCF-style: chr1-225600321-C-A.
Other names: c.919G>T, p.Ala307Ser (NM_194442.3); short protein forms A307S.
Identifiers: ClinVar variation 2802553 (VCV002802553.3), dbSNP rs762215626, ClinGen allele CA1417288.